The following is an entry in ClinVar:

ClinVar aggregate classification (germline): Conflicting classifications of pathogenicity. Review status: criteria provided, conflicting classifications (1 of 4 stars). 3 submissions from 3 submitters: Uncertain significance (1); Likely benign (2). Last evaluated 2025-08-14.

Conditions:
Cardiomyopathy (CMYO). Also called: Cardiomyopathies. Identifiers: Orphanet 167848, MedGen C0878544, MONDO:0004994, HP:0001638. Inheritance: Various modes of inheritance.
Cardiovascular phenotype. Identifiers: MedGen CN230736.
Arrhythmogenic right ventricular dysplasia 9 (ARVD9). Also called: Arrhythmogenic Right Ventricular Dysplasia/Cardiomyopathy 9; ARRHYTHMOGENIC RIGHT VENTRICULAR DYSPLASIA, FAMILIAL, 9. Identifiers: MedGen C1836906, MONDO:0012180, OMIM 609040.

Allele frequency attached by ClinVar (database versions not stated): ExAC 0.00002.
gnomAD v4.1: 11 of 1,585,330 alleles (0.00069%); highest among the groups gnomAD compares: East Asian, 0.025%; no homozygotes.

Submissions (3):

Color Diagnostics, LLC DBA Color Health
Classification: Likely benign for Cardiomyopathy. Last evaluated: 2025-08-14. Review status: criteria provided, single submitter. Criteria: ACMG Guidelines, 2015. Collection method: clinical testing. Allele origin: germline.

Labcorp Genetics (formerly Invitae), Labcorp
Classification: Uncertain significance for Arrhythmogenic right ventricular dysplasia 9. Last evaluated: 2025-07-22. Review status: criteria provided, single submitter. Criteria: Invitae Variant Classification Sherloc (09022015). Collection method: clinical testing. Allele origin: germline.
Comment: This sequence change replaces serine, which is neutral and polar, with asparagine, which is neutral and polar, at codon 44 of the PKP2 protein (p.Ser44Asn). This variant is present in population databases (rs751629644, gnomAD 0.01%). This variant has not been reported in the literature in individuals affected with PKP2-related conditions. ClinVar contains an entry for this variant (Variation ID: 2172556). An algorithm developed to predict the effect of missense changes on protein structure and function outputs the following: PolyPhen-2: "Benign". The asparagine amino acid residue is found in multiple mammalian species, which suggests that this missense change does not adversely affect protein function. In summary, the available evidence is currently insufficient to determine the role of this variant in disease. Therefore, it has been classified as a Variant of Uncertain Significance.

Ambry Genetics
Classification: Likely benign for Cardiovascular phenotype. Last evaluated: 2025-04-09. Review status: criteria provided, single submitter. Criteria: Ambry Variant Classification Scheme 2023. Collection method: clinical testing. Allele origin: germline.

NM_001005242.3(PKP2):c.131G>A (p.Ser44Asn)

Gene: PKP2 (plakophilin 2; minus strand). Cytogenetic location: 12p11.21.
Variant type: single nucleotide variant.
Coding change: c.131G>A on transcript NM_001005242.3 (MANE Select); coding-DNA position 131, G replaced by A.
Protein change: p.Ser44Asn; replaces serine 44 with asparagine.
Molecular consequence: missense variant.
Genome position (GRCh38, 1-based): chr12:32,896,601, C>T on the plus strand (G>A on the coding strand, the complement: PKP2 is on the minus strand). VCF-style: chr12-32896601-C-T. GRCh37 (hg19) VCF-style: chr12-33049535-C-T.
Other names: c.131G>A, p.Ser44Asn (NM_001407155.1, NM_001407156.1, NM_001407157.1 and 2 more transcripts); c.-696G>A (NM_001407158.1, NM_001407162.1); c.-460G>A (NM_001407159.1, NM_001407160.1); short protein forms S44N.
Identifiers: ClinVar variation 2172556 (VCV002172556.6), dbSNP rs751629644, ClinGen allele CA027624.